The following is an entry in ClinVar:

NM_000642.3(AGL):c.3700+2T>C

Gene: AGL (amylo-alpha-1,6-glucosidase and 4-alpha-glucanotransferase; plus strand). Cytogenetic location: 1p21.2.
Variant type: single nucleotide variant.
Coding change: c.3700+2T>C on transcript NM_000642.3 (MANE Select); the canonical splice donor site of the intron after coding-DNA position 3700, T replaced by C.
Molecular consequence: splice donor variant.
Genome position (GRCh38, 1-based): chr1:99,902,796, T>C. VCF-style: chr1-99902796-T-C. GRCh37 (hg19) VCF-style: chr1-100368352-T-C.
Other names: c.3700+2T>C (NM_000643.3, NM_000644.3, NM_001425325.1 and 1 more transcripts); c.3652+2T>C (NM_000646.3); c.3679+2T>C (NM_001425326.1); c.3499+2T>C (NM_001425327.1); c.3496+2T>C (NM_001425328.1); c.3361+2T>C (NM_001425329.1); c.3322+2T>C (NM_001425332.1).
Identifiers: ClinVar variation 1998780 (VCV001998780.4), dbSNP rs2523736429, ClinGen allele CA341335430.
Genomic context (GRCh38, chr1:99,902,796, plus strand): 5'-CATACAGTTCCGAGAAAGGAATGCTGGTCCCCAGATAGATCGAAACATGAAGGACGAAGG[T>C]ACAGAACTTTAACTAAAATAGTACAAATTTATCAAGGTGATGAAATTAAACCTTGCAATT-3'

ClinVar aggregate classification (germline): Likely pathogenic (1 of 4 stars; one submission).

Conditions:
Glycogen storage disease type III (GSD3). Also called: FORBES DISEASE; Cori disease. Identifiers: Orphanet 366, MedGen C0017922, MONDO:0009291, OMIM 232400.

Submission:

Labcorp Genetics (formerly Invitae), Labcorp
Classification: Likely pathogenic for Glycogen storage disease type III. Last evaluated: 2022-09-01. Review status: criteria provided, single submitter. Criteria: Invitae Variant Classification Sherloc (09022015). Collection method: clinical testing. Allele origin: germline.
Comment: Algorithms developed to predict the effect of sequence changes on RNA splicing suggest that this variant may disrupt the consensus splice site. In summary, the currently available evidence indicates that the variant is pathogenic, but additional data are needed to prove that conclusively. Therefore, this variant has been classified as Likely Pathogenic. Disruption of this splice site has been observed in individual(s) with glycogen storage disease type III (PMID: 26984562). This variant is not present in population databases (gnomAD no frequency). This sequence change affects a donor splice site in intron 27 of the AGL gene. It is expected to disrupt RNA splicing. Variants that disrupt the donor or acceptor splice site typically lead to a loss of protein function (PMID: 16199547), and loss-of-function variants in AGL are known to be pathogenic (PMID: 19299494).

Literature cited by the submitters: PubMed 26984562; PubMed 16199547; PubMed 19299494.